The following is an entry in ClinVar:

ClinVar aggregate classification (germline): Uncertain significance (1 of 4 stars; one submission).

Conditions:
Hereditary cancer-predisposing syndrome. Also called: Neoplastic Syndromes, Hereditary; Tumor predisposition; Hereditary neoplastic syndrome; Hereditary Cancer Syndrome. Identifiers: Orphanet 140162, MedGen C0027672, MeSH D009386, MONDO:0015356.

Submission:

Ambry Genetics
Classification: Uncertain significance for Hereditary cancer-predisposing syndrome. Last evaluated: 2024-05-31. Review status: criteria provided, single submitter. Criteria: Ambry Variant Classification Scheme 2023. Collection method: clinical testing. Allele origin: germline.
Comment: The p.L1101F variant (also known as c.3301C>T), located in coding exon 20 of the RET gene, results from a C to T substitution at nucleotide position 3301. The leucine at codon 1101 is replaced by phenylalanine, an amino acid with highly similar properties. This amino acid position is conserved. In addition, this alteration is predicted to be tolerated by in silico analysis. Based on the available evidence, the clinical significance of this variant remains unclear.

NM_020975.6(RET):c.3301C>T (p.Leu1101Phe)

Gene: RET (ret proto-oncogene; plus strand). Cytogenetic location: 10q11.21.
Variant type: single nucleotide variant.
Coding change: c.3301C>T on transcript NM_020975.6 (MANE Select); coding-DNA position 3301, C replaced by T.
Protein change: p.Leu1101Phe; replaces leucine 1101 with phenylalanine.
Molecular consequence: missense variant. On other transcripts: 3 prime UTR variant (18), intron variant (3).
Genome position (GRCh38, 1-based): chr10:43,128,225, C>T. VCF-style: chr10-43128225-C-T. GRCh37 (hg19) VCF-style: chr10-43623673-C-T.
Other names: c.3172C>T, p.Leu1058Phe (NM_001406761.1, NM_001406762.1); c.3166C>T, p.Leu1056Phe (NM_001406763.1); c.*1471C>T (NM_001406764.1, NM_001406765.1, NM_001406768.1 and 15 more transcripts); c.3013C>T, p.Leu1005Phe (NM_001406766.1, NM_001406767.1); c.2905C>T, p.Leu969Phe (NM_001406769.1); c.3301C>T, p.Leu1101Phe (NM_001406743.1); c.3241C>T, p.Leu1081Phe (NM_001406759.1, NM_001406760.1); c.3188-1293C>T (NM_001406744.1); and 10 more; short protein forms L1058F, L759F, L802F, L839F, L859F, L1005F, L598F, L969F.
Identifiers: ClinVar variation 3313740 (VCV003313740.1).